The following is an entry in ClinVar:

NM_001374353.1(GLI2):c.2210G>A (p.Arg737Gln)

Gene: GLI2 (GLI family zinc finger 2; plus strand). Cytogenetic location: 2q14.2.
Variant type: single nucleotide variant.
Coding change: c.2210G>A on transcript NM_001374353.1 (MANE Select); coding-DNA position 2210, G replaced by A.
Protein change: p.Arg737Gln; replaces arginine 737 with glutamine.
Molecular consequence: missense variant.
Genome position (GRCh38, 1-based): chr2:120,986,582, G>A. VCF-style: chr2-120986582-G-A. GRCh37 (hg19) VCF-style: chr2-121744158-G-A.
Other names: c.2261G>A, p.Arg754Gln (NM_001371271.1, NM_005270.5); c.1835G>A, p.Arg612Gln (NM_001374354.1); short protein forms R612Q, R737Q, R754Q.
Identifiers: ClinVar variation 1430316 (VCV001430316.8), dbSNP rs144782119, ClinGen allele CA1852168.

ClinVar aggregate classification (germline): Uncertain significance (1 of 4 stars; one submission).

Conditions:
Holoprosencephaly 9 (HPE9). Also called: HOLOPROSENCEPHALY WITH MICROPHTHALMIA AND FIRST BRANCHIAL ARCH ANOMALIES; PITUITARY ANOMALIES WITH HOLOPROSENCEPHALY-LIKE FEATURES. Identifiers: Orphanet 2162, MedGen C1835819, MONDO:0012563, OMIM 610829.
Postaxial polydactyly-anterior pituitary anomalies-facial dysmorphism syndrome. Also called: Culler-Jones syndrome. Identifiers: Orphanet 420584, MedGen C4014479, MONDO:0014369, OMIM 615849.

Allele frequency attached by ClinVar (database versions not stated): ESP Exome Variant Server 0.00031.
gnomAD v4.1: 116 of 1,613,940 alleles (0.0072%); highest among the groups gnomAD compares: African/African-American, 0.017%; no homozygotes.

Submission:

Labcorp Genetics (formerly Invitae), Labcorp
Classification: Uncertain significance for Postaxial polydactyly-anterior pituitary anomalies-facial dysmorphism syndrome; Holoprosencephaly 9. Last evaluated: 2025-04-21. Review status: criteria provided, single submitter. Criteria: Invitae Variant Classification Sherloc (09022015). Collection method: clinical testing. Allele origin: germline.
Comment: This sequence change replaces arginine, which is basic and polar, with glutamine, which is neutral and polar, at codon 754 of the GLI2 protein (p.Arg754Gln). This variant is present in population databases (rs144782119, gnomAD 0.02%). This missense change has been observed in individual(s) with clinical features of GLI2-related conditions (PMID: 16327884, 24744436). This variant is also known as R426Q. ClinVar contains an entry for this variant (Variation ID: 1430316). Invitae Evidence Modeling of protein sequence and biophysical properties (such as structural, functional, and spatial information, amino acid conservation, physicochemical variation, residue mobility, and thermodynamic stability) indicates that this missense variant is not expected to disrupt GLI2 protein function with a negative predictive value of 80%. In summary, the available evidence is currently insufficient to determine the role of this variant in disease. Therefore, it has been classified as a Variant of Uncertain Significance.

Literature cited by the submitters: PubMed 16327884; PubMed 24744436.